The following is an entry in ClinVar:

NM_198578.4(LRRK2):c.825= (p.His275=)

Gene: LRRK2 (leucine rich repeat kinase 2; plus strand). Cytogenetic location: 12q12.
Variant type: single nucleotide variant.
Coding change: c.825= on transcript NM_198578.4 (MANE Select); coding-DNA position 825, no change from the reference sequence.
Protein change: p.His275=; no amino-acid change (histidine 275 retained).
Molecular consequence: no sequence alteration.
Genome position: GRCh38 VCF-style: chr12-40243668-T-T. GRCh37 (hg19) VCF-style: chr12-40637470-T-T.
Identifiers: ClinVar variation 39243 (VCV000039243.4), dbSNP rs72546315.

ClinVar aggregate classification (germline): Uncertain significance (0 of 4 stars; one submission).

Conditions:
Autosomal dominant Parkinson disease 8. Also called: Parkinson disease 8, susceptibility to; LRRK2-Related Parkinson Disease; Parkinson disease 8. Identifiers: Orphanet 411602, MedGen C1846862, MONDO:0011764, OMIM 607060.

Allele frequency attached by ClinVar (database versions not stated): ESP Exome Variant Server 0.99938; TOPMed 0.99957; ExAC 0.99960; gnomAD 0.99959 and 0.99960; gnomAD exomes 0.99942 and 0.99960.

Submission:

GeneReviews
Classification: Uncertain significance for LRRK2-Related Parkinson Disease. Last evaluated: 2012-09-13. Review status: no assertion criteria provided. Collection method: curation. Allele origin: unknown.
ClinVar note: Converted during submission from unknown to Uncertain significance.